The following is an entry in ClinVar:

ClinVar aggregate classification (germline): Uncertain significance (1 of 4 stars; one submission).

Conditions:
Cranioectodermal dysplasia 2 (CED2). Identifiers: Orphanet 1515, MedGen C3150874, MONDO:0013323, OMIM 613610.
Short-rib thoracic dysplasia 7 with or without polydactyly (SRTD7). Also called: Short rib polydactyly syndrome 5; SHORT-RIB THORACIC DYSPLASIA 7 WITH POLYDACTYLY. Identifiers: Orphanet 498497, Orphanet 93271, MedGen C3279792, MONDO:0013569, OMIM 614091.

Submission:

Labcorp Genetics (formerly Invitae), Labcorp
Classification: Uncertain significance for Cranioectodermal dysplasia 2; Short-rib thoracic dysplasia 7 with or without polydactyly. Last evaluated: 2023-07-07. Review status: criteria provided, single submitter. Criteria: Invitae Variant Classification Sherloc (09022015). Collection method: clinical testing. Allele origin: germline.
Comment: In summary, the available evidence is currently insufficient to determine the role of this variant in disease. Therefore, it has been classified as a Variant of Uncertain Significance. This variant, c.3032_3034del, results in the deletion of 1 amino acid(s) of the WDR35 protein (p.Glu1011del), but otherwise preserves the integrity of the reading frame. This variant is present in population databases (rs746953019, gnomAD 0.02%). This variant has not been reported in the literature in individuals affected with WDR35-related conditions. Experimental studies and prediction algorithms are not available or were not evaluated, and the functional significance of this variant is currently unknown.

NM_020779.4(WDR35):c.2993AAG[2] (p.Glu1000del)

Gene: WDR35 (WD repeat domain 35; minus strand). Cytogenetic location: 2p24.1.
Variant type: Microsatellite.
Coding change: c.2993AAG[2] on transcript NM_020779.4 (MANE Select); two copies in a row of the 3-base unit AAG starting at c.2993; the reference has three copies in a row; one copy, 3 bases deleted.
Protein change: p.Glu1000del; deletes glutamic acid 1000.
Molecular consequence: inframe deletion.
Genome position (GRCh38, 1-based): chr2:19,930,516-19,930,518, CTT deleted on the plus strand (AAG on the coding strand, the reverse complement: WDR35 is on the minus strand); deleting any 3 consecutive bases within chr2:19,930,516-19,930,525 gives the same sequence; the position shown is the placement nearest the transcript's 3' end. VCF-style (leftmost placement, unchanged base first): chr2-19930515-ACTT-A. GRCh37 (hg19) VCF-style: chr2-20130276-ACTT-A.
Other names: c.3026AAG[2], p.Glu1011del (NM_001006657.2); short protein forms E1000del, E1011del.
Identifiers: ClinVar variation 1385640 (VCV001385640.6), dbSNP rs746953019, ClinGen allele CA1542767.